The following is an entry in ClinVar:

NM_000153.4(GALC):c.1172A>G (p.His391Arg)

Gene: GALC (galactosylceramidase; minus strand). Cytogenetic location: 14q31.3.
Variant type: single nucleotide variant.
Coding change: c.1172A>G on transcript NM_000153.4 (MANE Select); coding-DNA position 1172, A replaced by G.
Protein change: p.His391Arg; replaces histidine 391 with arginine.
Molecular consequence: missense variant.
Genome position (GRCh38, 1-based): chr14:87,950,738, T>C on the plus strand (A>G on the coding strand, the complement: GALC is on the minus strand). VCF-style: chr14-87950738-T-C. GRCh37 (hg19) VCF-style: chr14-88417082-T-C.
Other names: c.1172A>G (NM_000153.3); c.1103A>G, p.His368Arg (NM_001201401.2); c.1094A>G, p.His365Arg (NM_001201402.2); short protein forms H365R, H368R, H391R.
Identifiers: ClinVar variation 1371152 (VCV001371152.4), dbSNP rs1395397636, ClinGen allele CA390747076.
Genomic context (GRCh38, chr14:87,950,738, plus strand): 5'-AAGGTGGCAAATTGTTGTGACACATTGAAATAAGGAAGAAATGGCCGTATGCACTTAGAA[T>C]GTTTATGACTCTGAAAAAAAAAAATCACATACATTATCCAAATGATGTATAAGCTACCTT-3'
Protein context (NP_000144.2, residues 381-401): TIIIETMSHK[His391Arg]SKCIRPFLPY

ClinVar aggregate classification (germline): Uncertain significance. Review status: criteria provided, multiple submitters, no conflicts (2 of 4 stars). 2 submissions from 2 submitters: Uncertain significance (2). Last evaluated 2025-12-22.

Conditions:
Galactosylceramide beta-galactosidase deficiency. Also called: Krabbe Disease; Leukodystrophy, Globoid Cell; GALACTOCEREBROSIDASE DEFICIENCY; GALC DEFICIENCY; GLOBOID CELL LEUKOENCEPHALOPATHY. Identifiers: Orphanet 487, MedGen C0023521, MONDO:0009499, OMIM 245200.
Inborn genetic diseases. Identifiers: MedGen C0950123, MeSH D030342.

Allele frequency attached by ClinVar (database versions not stated): TOPMed below 0.00001; gnomAD 0.00001.
gnomAD v4.1: 5 of 1,532,418 alleles (0.00033%); highest among the groups gnomAD compares: Non-Finnish European, 0.00044%; no homozygotes.

Submissions (2):

Ambry Genetics
Classification: Uncertain significance for Inborn genetic diseases. Last evaluated: 2025-12-22. Review status: criteria provided, single submitter. Criteria: Ambry Variant Classification Scheme 2023. Collection method: clinical testing. Allele origin: germline.

Labcorp Genetics (formerly Invitae), Labcorp
Classification: Uncertain significance for Galactosylceramide beta-galactosidase deficiency. Last evaluated: 2022-10-24. Review status: criteria provided, single submitter. Criteria: Invitae Variant Classification Sherloc (09022015). Collection method: clinical testing. Allele origin: germline.
Comment: This sequence change replaces histidine, which is basic and polar, with arginine, which is basic and polar, at codon 391 of the GALC protein (p.His391Arg). This variant is present in population databases (no rsID available, gnomAD 0.008%). This variant has not been reported in the literature in individuals affected with GALC-related conditions. ClinVar contains an entry for this variant (Variation ID: 1371152). Algorithms developed to predict the effect of missense changes on protein structure and function (SIFT, PolyPhen-2, Align-GVGD) all suggest that this variant is likely to be tolerated. In summary, the available evidence is currently insufficient to determine the role of this variant in disease. Therefore, it has been classified as a Variant of Uncertain Significance.